The following is an entry in ClinVar:

ClinVar aggregate classification (germline): Conflicting classifications of pathogenicity. Review status: criteria provided, conflicting classifications (1 of 4 stars). 3 submissions from 3 submitters: Uncertain significance (1); Benign (1); Likely benign (1). Last evaluated 2025-03-17.

Conditions:
Colorectal cancer, hereditary nonpolyposis, type 7. Identifiers: Orphanet 144, MedGen C1858380, MONDO:0013725, OMIM 614385.
Ovarian cancer. Also called: OVARIAN CANCER, SOMATIC. Identifiers: Orphanet 213500, MedGen C1140680, MONDO:0008170, OMIM 167000.

Allele frequency attached by ClinVar (database versions not stated): gnomAD 0.00001; TOPMed 0.00001.
gnomAD v4.1: 9 of 1,613,928 alleles (0.00056%); highest among the groups gnomAD compares: African/African-American, 0.0013%; no homozygotes.

Submissions (3):

Labcorp Genetics (formerly Invitae), Labcorp
Classification: Uncertain significance for Colorectal cancer, hereditary nonpolyposis, type 7. Last evaluated: 2025-03-17. Review status: criteria provided, single submitter. Criteria: Invitae Variant Classification Sherloc (09022015). Collection method: clinical testing. Allele origin: germline.
Comment: This sequence change replaces proline, which is neutral and non-polar, with serine, which is neutral and polar, at codon 718 of the MLH3 protein (p.Pro718Ser). This variant is present in population databases (no rsID available, gnomAD 0.006%). This variant has not been reported in the literature in individuals affected with MLH3-related conditions. ClinVar contains an entry for this variant (Variation ID: 1786774). An algorithm developed to predict the effect of missense changes on protein structure and function outputs the following: PolyPhen-2: "Benign". The serine amino acid residue is found in multiple mammalian species, which suggests that this missense change does not adversely affect protein function. In summary, the available evidence is currently insufficient to determine the role of this variant in disease. Therefore, it has been classified as a Variant of Uncertain Significance.

Ambry Genetics
Classification: Likely benign. Last evaluated: 2023-12-08. Review status: criteria provided, single submitter. Criteria: Ambry Variant Classification Scheme 2023. Collection method: clinical testing. Allele origin: germline.

Laboratory of Molecular Epidemiology of Birth Defects, West China Second University Hospital, Sichuan University
Classification: Benign for Ovarian cancer. Last evaluated: 2022-01-01. Review status: criteria provided, single submitter. Criteria: ACMG Guidelines, 2015. Collection method: clinical testing. Allele origin: germline. Affected: yes.

NM_001040108.2(MLH3):c.2152C>T (p.Pro718Ser)

Gene: MLH3 (mutL homolog 3; minus strand). Cytogenetic location: 14q24.3.
Variant type: single nucleotide variant.
Coding change: c.2152C>T on transcript NM_001040108.2 (MANE Select); coding-DNA position 2152, C replaced by T.
Protein change: p.Pro718Ser; replaces proline 718 with serine.
Molecular consequence: missense variant.
Genome position (GRCh38, 1-based): chr14:75,047,504, G>A on the plus strand (C>T on the coding strand, the complement: MLH3 is on the minus strand). VCF-style: chr14-75047504-G-A. GRCh37 (hg19) VCF-style: chr14-75514207-G-A.
Other names: c.2152C>T, p.Pro718Ser (NM_014381.3); c.2152C>T (NM_014381.2); short protein forms P718S.
Identifiers: ClinVar variation 1786774 (VCV001786774.9), dbSNP rs1424702720, ClinGen allele CA390441454.